The following is an entry in ClinVar:

NM_000669.5(ADH1C):c.429C>T (p.Gly143=)

Gene: ADH1C (alcohol dehydrogenase 1C (class I), gamma polypeptide; minus strand). Cytogenetic location: 4q23.
Variant type: single nucleotide variant.
Coding change: c.429C>T on transcript NM_000669.5 (MANE Select); coding-DNA position 429, C replaced by T.
Protein change: p.Gly143=; no amino-acid change (glycine 143 retained).
Molecular consequence: synonymous variant. On other transcripts: non-coding transcript variant (1).
Genome position (GRCh38, 1-based): chr4:99,345,000, G>A on the plus strand (C>T on the coding strand, the complement: ADH1C is on the minus strand). VCF-style: chr4-99345000-G-A. GRCh37 (hg19) VCF-style: chr4-100266157-G-A.
Identifiers: ClinVar variation 716191 (VCV000716191.27), dbSNP rs79372027, ClinGen allele CA3020406.

ClinVar aggregate classification (germline): Benign/Likely benign. Review status: criteria provided, multiple submitters, no conflicts (2 of 4 stars). 2 submissions from 2 submitters: Benign (1); Likely benign (1). Last evaluated 2025-09-01.

Allele frequency attached by ClinVar (database versions not stated): 1000 Genomes Project 30x 0.00094; 1000 Genomes Project 0.00120; TOPMed 0.00129; ExAC 0.00176; gnomAD 0.00179 and 0.00180; ESP Exome Variant Server 0.00185; gnomAD exomes 0.00186 and 0.00197.
gnomAD v4.1: 3,128 of 1,614,148 alleles (0.19%); highest among the groups gnomAD compares: Non-Finnish European, 0.21%; 6 homozygotes.

Submissions (2):

CeGaT Center for Human Genetics Tuebingen
Classification: Likely benign. Last evaluated: 2025-09-01. Review status: criteria provided, single submitter. Criteria: CeGaT Center For Human Genetics Tuebingen Variant Classification Criteria Version 2. Collection method: clinical testing. Allele origin: germline. Affected: yes. Observed: 3 variant alleles.
Comment: ADH1C: BP4, BP7

Labcorp Genetics (formerly Invitae), Labcorp
Classification: Benign. Last evaluated: 2017-12-07. Review status: criteria provided, single submitter. Criteria: Invitae Variant Classification Sherloc (09022015). Collection method: clinical testing. Allele origin: germline.